The following is an entry in ClinVar:

NM_000152.5(GAA):c.1076-11T>C

Gene: GAA (alpha glucosidase; plus strand). Cytogenetic location: 17q25.3.
Variant type: single nucleotide variant.
Coding change: c.1076-11T>C on transcript NM_000152.5 (MANE Select); 11 bases into the intron before coding-DNA position 1076, T replaced by C.
Molecular consequence: intron variant.
Genome position (GRCh38, 1-based): chr17:80,108,478, T>C. VCF-style: chr17-80108478-T-C. GRCh37 (hg19) VCF-style: chr17-78082277-T-C.
Other names: c.1076-11T>C (NM_001079803.3, NM_001079804.3).
Identifiers: ClinVar variation 1972632 (VCV001972632.5), dbSNP rs2510363227, ClinGen allele CA2580095317.
Genomic context (GRCh38, chr17:80,108,478, plus strand): 5'-TGCTCCCTGGCCGCGGCCCCCGCCCCAAGGCTCCCTCCTCCCTCCCTCATGAAGTCGGCG[T>C]TGGCCTGCAGGATACCCGTTCATGCCGCCATACTGGGGCCTGGGCTTCCACCTGTGCCGC-3'

ClinVar aggregate classification (germline): Uncertain significance (1 of 4 stars; one submission).

Conditions:
Glycogen storage disease, type II (IOPD). Also called: CARDIOMEGALIA GLYCOGENICA DIFFUSA; POMPE DISEASE, INFANTILE-ONSET; GLYCOGEN STORAGE DISEASE II, INFANTILE-ONSET; ACID ALPHA-GLUCOSIDASE DEFICIENCY, INFANTILE-ONSET; GAA DEFICIENCY, INFANTILE-ONSET; ACID MALTASE DEFICIENCY, INFANTILE-ONSET. Identifiers: Orphanet 365, MedGen C0017921, MONDO:0009290, OMIM 232300.

Submission:

Labcorp Genetics (formerly Invitae), Labcorp
Classification: Uncertain significance for Glycogen storage disease, type II. Last evaluated: 2022-07-21. Review status: criteria provided, single submitter. Criteria: Invitae Variant Classification Sherloc (09022015). Collection method: clinical testing. Allele origin: germline.
Comment: This variant has not been reported in the literature in individuals affected with GAA-related conditions. In summary, the available evidence is currently insufficient to determine the role of this variant in disease. Therefore, it has been classified as a Variant of Uncertain Significance. Algorithms developed to predict the effect of sequence changes on RNA splicing suggest that this variant may disrupt the consensus splice site. This variant is not present in population databases (gnomAD no frequency). This sequence change falls in intron 6 of the GAA gene. It does not directly change the encoded amino acid sequence of the GAA protein.